The following is an entry in ClinVar:

NM_000038.6(APC):c.423G>T (p.Arg141Ser)

Gene: APC (APC regulator of Wnt signaling pathway; plus strand). Cytogenetic location: 5q22.2.
Variant type: single nucleotide variant.
Coding change: c.423G>T on transcript NM_000038.6 (MANE Select); coding-DNA position 423, G replaced by T.
Protein change: p.Arg141Ser; replaces arginine 141 with serine.
Molecular consequence: missense variant. On other transcripts: 5 prime UTR variant (1).
Genome position (GRCh38, 1-based): chr5:112,775,629, G>T. VCF-style: chr5-112775629-G-T. GRCh37 (hg19) VCF-style: chr5-112111326-G-T.
Other names: c.423G>T, p.Arg141Ser (NM_001127510.3, NM_001354895.2, NM_001354896.2 and 2 more transcripts); c.453G>T, p.Arg151Ser (NM_001127511.3, NM_001354897.2, NM_001354902.2); c.348G>T, p.Arg116Ser (NM_001354898.2, NM_001354904.2); c.246G>T, p.Arg82Ser (NM_001354900.2, NM_001354901.2, NM_001354905.2); c.-613G>T (NM_001354906.2); short protein forms R141S, R151S, R82S, R116S.
Identifiers: ClinVar variation 216017 (VCV000216017.19), dbSNP rs863224458, ClinGen allele CA338613.
Genomic context (GRCh38, chr5:112,775,629, plus strand): 5'-TCTTCTGCAGTCTTTATTAGCATTGTTTAAACGTACCTTTTTTTAAAAAAAAAAAAATAG[G>T]TCATTGCTTCTTGCTGATCTTGACAAAGAAGAAAAGGAAAAAGACTGGTATTACGCTCAA-3'
Protein context (NP_000029.2, residues 131-151): TGYLEELEKE[Arg141Ser]SLLLADLDKE

ClinVar aggregate classification (germline): Pathogenic. Review status: criteria provided, multiple submitters, no conflicts (2 of 4 stars). 5 submissions from 5 submitters: Pathogenic (4). 1 of the submissions does not count toward it. Last evaluated 2025-05-04.

Conditions:
Carcinoma of colon (CRC). Also called: Colon carcinoma; Colonic carcinoma. Identifiers: MedGen C0699790, MONDO:0002032.
Familial adenomatous polyposis 1 (FAP1). Also called: POLYPOSIS, ADENOMATOUS INTESTINAL; FAMILIAL ADENOMATOUS POLYPOSIS 1, ATTENUATED. Identifiers: MedGen C2713442, MONDO:0021056, OMIM 175100. Disease mechanism: loss of function.

gnomAD v4.1: 1 of 1,576,900 alleles (0.000063%); highest among the groups gnomAD compares: Non-Finnish European, 0.000087%; no homozygotes.

Submissions (5):

Labcorp Genetics (formerly Invitae), Labcorp
Classification: Pathogenic for Familial adenomatous polyposis 1. Last evaluated: 2025-05-04. Review status: criteria provided, single submitter. Criteria: Invitae Variant Classification Sherloc (09022015). Collection method: clinical testing. Allele origin: germline.
Comment: This sequence change replaces arginine, which is basic and polar, with serine, which is neutral and polar, at codon 141 of the APC protein (p.Arg141Ser). RNA analysis indicates that this missense change induces altered splicing and may result in an absent or altered protein product. This variant is not present in population databases (gnomAD no frequency). This missense change has been observed in individuals with features of familial adenomatous polyposis (PMID: 15459959, 17410430). It has also been observed to segregate with disease in related individuals. ClinVar contains an entry for this variant (Variation ID: 216017). An algorithm developed to predict the effect of missense changes on protein structure and function (PolyPhen-2) suggests that this variant is likely to be disruptive. Studies have shown that this missense change results in skipping of exon 4, and produces a non-functional protein and/or introduces a premature termination codon (PMID: 15459959). For these reasons, this variant has been classified as Pathogenic.

Center for Genomic Medicine, Rigshospitalet, Copenhagen University Hospital
Classification: Pathogenic. Last evaluated: 2025-03-04. Review status: criteria provided, single submitter. Criteria: ACMG Guidelines, 2015. Collection method: clinical testing. Allele origin: germline.

Myriad Genetics, Inc.
Classification: Pathogenic for Familial adenomatous polyposis 1. Last evaluated: 2023-04-26. Review status: criteria provided, single submitter. Criteria: Myriad Autosomal Dominant, Autosomal Recessive and X-Linked Classification Criteria (2023). Collection method: clinical testing. Allele origin: unknown.
Comment: This variant is considered pathogenic. Functional studies indicate this variant impacts protein function [PMID: 15459959].

Clinical Genetics and Genomics, Karolinska University Hospital
Classification: Pathogenic. Last evaluated: 2019-05-07. Review status: criteria provided, single submitter. Criteria: ACMG Guidelines, 2015. Collection method: clinical testing. Allele origin: germline. Affected: yes. Observed: 1 variant allele.

Department of Pathology and Laboratory Medicine, Sinai Health System
Classification: Pathogenic for Carcinoma of colon. Review status: no assertion criteria provided. Collection method: clinical testing. Allele origin: unknown. Affected: yes. Study: The Canadian Open Genetics Repository (COGR). Not counted in ClinVar's aggregate classification.
Comment: The p.Arg141Ser variant was identified in 2 of 1834 proband chromosomes (frequency: 0.001) from individuals or families with Attenuated FAP (Aretz 2004). The variant was also identified the COSMIC database, InSiGHT Colon Cancer Gene Variant Database (4x as a splice mutation), and UMD (20x as a causal variant). In addition, functional analysis of the p.Arg141Ser variant has shown complete skipping of Exon 4 due to aberrant splicing (Aretz 2004, Kaufmann 2009). This variant was not identified in control databases: 1000 Genomes Project, Exome Variant Server project or the Exome Aggregation Consortium (ExAC) database (released Jan 13, 2015). The p.Arg141Ser variant is predicted to cause abnormal splicing because the nucleotide substitution occurs in the invariant region of the splice consensus sequence. In addition, 5 of 5 in silico or computational prediction software programs (SpliceSiteFinder, MaxEntScan, NNSPLICE, GeneSplicer, HumanSpliceFinder) predict a greater than 10% difference in splicing. In summary, based on the above information, this variant meets our laboratoryâ€šÃ„Ã´s criteria to be classified as pathogenic.

Literature cited by the submitters: PubMed 15459959 (cited by 3 submitters); PubMed 17410430 (cited by Labcorp Genetics (formerly Invitae), Labcorp and Center for Genomic Medicine, Rigshospitalet, Copenhagen University Hospital).